The following is an entry in ClinVar:

ClinVar aggregate classification (germline): Pathogenic (1 of 4 stars; one submission).

Conditions:
Familial focal epilepsy with variable foci (FPEVF). Identifiers: Orphanet 98820, MedGen C1858477, MONDO:0020310.

Submission:

Labcorp Genetics (formerly Invitae), Labcorp
Classification: Pathogenic for Familial focal epilepsy with variable foci. Last evaluated: 2022-01-06. Review status: criteria provided, single submitter. Criteria: Invitae Variant Classification Sherloc (09022015). Collection method: clinical testing. Allele origin: germline.
Comment: This variant is not present in population databases (gnomAD no frequency). This sequence change affects an acceptor splice site in intron 17 of the DEPDC5 gene. It is expected to disrupt RNA splicing. Variants that disrupt the donor or acceptor splice site typically lead to a loss of protein function (PMID: 16199547), and loss-of-function variants in DEPDC5 are known to be pathogenic (PMID: 23542697, 23542701). For these reasons, this variant has been classified as Pathogenic. Algorithms developed to predict the effect of sequence changes on RNA splicing suggest that this variant may disrupt the consensus splice site. ClinVar contains an entry for this variant (Variation ID: 958782). Disruption of this splice site has been observed in individuals with clinical features of DEPDC5-related conditions (Invitae).

Literature cited by the submitters: PubMed 16199547; PubMed 23542697; PubMed 23542701.

NM_001242896.3(DEPDC5):c.1218-1G>C

Gene: DEPDC5 (DEP domain containing 5, GATOR1 subcomplex subunit; plus strand). Cytogenetic location: 22q12.3.
Variant type: single nucleotide variant.
Coding change: c.1218-1G>C on transcript NM_001242896.3 (MANE Select); the canonical splice acceptor site of the intron before coding-DNA position 1218, G replaced by C.
Molecular consequence: splice acceptor variant.
Genome position (GRCh38, 1-based): chr22:31,806,121, G>C. VCF-style: chr22-31806121-G-C. GRCh37 (hg19) VCF-style: chr22-32202107-G-C.
Other names: c.1218-1G>C (NM_001364318.2, NM_001136029.4, NM_014662.6 and 7 more transcripts); c.1134-1G>C (NM_001369902.1, NM_001369901.1).
Identifiers: ClinVar variation 958782 (VCV000958782.8), dbSNP rs2087504321, ClinGen allele CA411276316.
Genomic context (GRCh38, chr22:31,806,121, plus strand): 5'-GTGTTTTGAGTTTTAAAATAAAGGGAATTTAGATTAATGACTCTGTTTGTTTCTTTTACA[G>C]TTTCTACACATCCAAAAGCCAGCTCTTTTGTAATAGTTTCACCCCACGAATAAAACTGGC-3'